The following is an entry in ClinVar:

ClinVar aggregate classification (germline): Likely benign (1 of 4 stars; one submission).

Submission:

CeGaT Center for Human Genetics Tuebingen
Classification: Likely benign. Last evaluated: 2026-06-01. Review status: criteria provided, single submitter. Criteria: CeGaT Center For Human Genetics Tuebingen Variant Classification Criteria Version 2. Collection method: clinical testing. Allele origin: germline. Affected: yes. Observed: 7 variant alleles.
Comment: KLHDC7B: BP4, BP7

NM_138433.5(KLHDC7B):c.1791C>A (p.Pro597=)

Genes: KLHDC7B (kelch domain containing 7B; plus strand), KLHDC7B-DT (KLHDC7B divergent transcript; minus strand). Cytogenetic location: 22q13.33.
Variant type: single nucleotide variant.
Coding change: c.1791C>A on transcript NM_138433.5 (MANE Select); coding-DNA position 1791, C replaced by A.
Protein change: p.Pro597=; no amino-acid change (proline 597 retained).
Molecular consequence: synonymous variant.
Genome position (GRCh38, 1-based): chr22:50,548,034, C>A. VCF-style: chr22-50548034-C-A. GRCh37 (hg19) VCF-style: chr22-50986463-C-A.
Identifiers: ClinVar variation 2653404 (VCV002653404.24), dbSNP rs1308130874, ClinGen allele CA754070840.